The following is an entry in ClinVar:

ClinVar aggregate classification (germline): Uncertain significance. Review status: criteria provided, multiple submitters, no conflicts (2 of 4 stars). 11 submissions from 11 submitters: Uncertain significance (9). 2 of the submissions do not count toward it. Last evaluated 2026-01-04.

Conditions:
Epidermolysis bullosa simplex 5C, with pyloric atresia (EBS5C). Also called: PLEC1-Related Epidermolysis Bullosa with Pyloric Atresia; PLEC-Related Epidermolysis Bullosa with Pyloric Atresia; Epidermolysis bullosa simplex with pyloric atresia. Identifiers: Orphanet 158684, MedGen C2677349, MONDO:0012807, OMIM 612138.
Epidermolysis bullosa simplex 5B, with muscular dystrophy (EBS5B). Also called: Epidermolysis bullosa simplex with muscular dystrophy; EPIDERMOLYSIS BULLOSA SIMPLEX AND LIMB-GIRDLE MUSCULAR DYSTROPHY. Identifiers: Orphanet 257, MedGen C2931072, MONDO:0009181, OMIM 226670.
Autosomal recessive limb-girdle muscular dystrophy type 2Q (LGMDR17). Also called: MUSCULAR DYSTROPHY, LIMB-GIRDLE, AUTOSOMAL RECESSIVE 17. Identifiers: Orphanet 254361, MedGen C3150989, MONDO:0013390, OMIM 613723.
Epidermolysis bullosa simplex with nail dystrophy (EBS5D). Identifiers: MedGen C4225309, MONDO:0014661, OMIM 616487.
Junctional epidermolysis bullosa with pyloric atresia. Also called: Junctional Epidermolysis Bullosa- Pyloric Atresia Syndrome; Epidermolysis bullosa, junctional, with pyloric atresia and aplasia cutis congenita; Epidermolysis bullosa junctionalis with pyloric atresia; ITGB4-Related Epidermolysis Bullosa with Pyloric Atresia; APLASIA CUTIS CONGENITA WITH GASTROINTESTINAL ATRESIA; CARMI SYNDROME. Identifiers: Orphanet 79403, MedGen C5676875, MONDO:0009183, OMIM 226730.
Epidermolysis bullosa simplex, Ogna type (EBS5A). Also called: Pidermolysis bullosa simplex 5A, Ogna type; EPIDERMOLYSIS BULLOSA SIMPLEX 5A, OGNA TYPE. Identifiers: Orphanet 79401, MedGen C0432317, MONDO:0007555, OMIM 131950.

Allele frequency attached by ClinVar (database versions not stated): ExAC 0.00027; 1000 Genomes Project 30x 0.00031; ESP Exome Variant Server 0.00040; gnomAD exomes 0.00040 and 0.00076; TOPMed 0.00047; gnomAD 0.00054.
gnomAD v4.1: 1,122 of 1,539,958 alleles (0.073%); highest among the groups gnomAD compares: Non-Finnish European, 0.09%; 2 homozygotes.

Submissions (11):

Labcorp Genetics (formerly Invitae), Labcorp
Classification: Uncertain significance for Autosomal recessive limb-girdle muscular dystrophy type 2Q; Epidermolysis bullosa simplex, Ogna type; Epidermolysis bullosa simplex with nail dystrophy; Epidermolysis bullosa simplex 5C, with pyloric atresia; Epidermolysis bullosa simplex 5B, with muscular dystrophy. Last evaluated: 2026-01-04. Review status: criteria provided, single submitter. Criteria: Invitae Variant Classification Sherloc (09022015). Collection method: clinical testing. Allele origin: germline.
Comment: This sequence change replaces arginine, which is basic and polar, with tryptophan, which is neutral and slightly polar, at codon 2584 of the PLEC protein (p.Arg2584Trp). This variant is present in population databases (rs201569045, gnomAD 0.08%), and has an allele count higher than expected for a pathogenic variant. This variant has not been reported in the literature in individuals affected with PLEC-related conditions. ClinVar contains an entry for this variant (Variation ID: 471651). Invitae Evidence Modeling of protein sequence and biophysical properties (such as structural, functional, and spatial information, amino acid conservation, physicochemical variation, residue mobility, and thermodynamic stability) indicates that this missense variant is not expected to disrupt PLEC protein function with a negative predictive value of 80%. In summary, the available evidence is currently insufficient to determine the role of this variant in disease. Therefore, it has been classified as a Variant of Uncertain Significance.

Mayo Clinic Laboratories, Mayo Clinic
Classification: Uncertain significance. Last evaluated: 2025-11-06. Review status: criteria provided, single submitter. Criteria: ACMG Guidelines, 2015. Collection method: clinical testing. Allele origin: germline. Observed: 4 variant alleles.
Comment: BP4

Revvity Omics, Revvity
Classification: Uncertain significance. Last evaluated: 2025-05-09. Review status: criteria provided, single submitter. Criteria: ACMG Guidelines, 2015. Collection method: clinical testing. Allele origin: germline.

GeneDx
Classification: Uncertain significance. Last evaluated: 2025-02-02. Review status: criteria provided, single submitter. Criteria: GeneDx Variant Classification Process June 2021. Collection method: clinical testing. Allele origin: germline. Affected: yes.
Comment: Reported in an individual with presumed ocular histoplasmosis syndrome (Li et al., 2021); In silico analysis supports that this missense variant has a deleterious effect on protein structure/function; Missense variant in a gene in which most reported pathogenic variants are truncating/loss of function; This variant is associated with the following publications: (PMID: 32707200)

Blueprint Genetics
Classification: Uncertain significance. Last evaluated: 2024-11-07. Review status: criteria provided, single submitter. Criteria: ACMG Guidelines, 2015. Collection method: clinical testing. Allele origin: germline.

Athena Diagnostics
Classification: Uncertain significance. Last evaluated: 2022-02-16. Review status: criteria provided, single submitter. Criteria: Athena Diagnostics Criteria. Collection method: clinical testing. Allele origin: unknown.

Fulgent Genetics
Classification: Uncertain significance for Epidermolysis bullosa simplex, Ogna type; Epidermolysis bullosa simplex 5B, with muscular dystrophy; Junctional epidermolysis bullosa with pyloric atresia; Epidermolysis bullosa simplex 5C, with pyloric atresia; Autosomal recessive limb-girdle muscular dystrophy type 2Q; Epidermolysis bullosa simplex with nail dystrophy. Last evaluated: 2022-01-31. Review status: criteria provided, single submitter. Criteria: ACMG Guidelines, 2015. Collection method: clinical testing. Allele origin: unknown.

Eurofins Ntd Llc (ga)
Classification: Uncertain significance. Last evaluated: 2018-05-15. Review status: criteria provided, single submitter. Criteria: EGL ClinVar v180209 classification definitions. Collection method: clinical testing. Allele origin: germline. Observed: 5 variant alleles, 5 heterozygotes.

Breakthrough Genomics
Classification: Uncertain significance. Review status: criteria provided, single submitter. Criteria: ACMG Guidelines, 2015. Collection method: not provided. Allele origin: germline. Inheritance: Autosomal recessive inheritance. Affected: yes.

Clinical Genetics DNA and cytogenetics Diagnostics Lab, Erasmus MC, Erasmus Medical Center
Classification: Uncertain significance. Review status: no assertion criteria provided. Collection method: clinical testing. Allele origin: germline. Affected: yes. Study: VKGL Data-share Consensus. Not counted in ClinVar's aggregate classification.

Laboratory of Diagnostic Genome Analysis, Leiden University Medical Center (LUMC)
Classification: Uncertain significance. Review status: no assertion criteria provided. Collection method: clinical testing. Allele origin: germline. Affected: yes. Study: VKGL Data-share Consensus. Not counted in ClinVar's aggregate classification.

Literature cited by the submitters: PubMed 32707200 (cited by Mayo Clinic Laboratories, Mayo Clinic and Athena Diagnostics).

NM_201384.3(PLEC):c.7669C>T (p.Arg2557Trp)

Gene: PLEC (plectin; minus strand). Cytogenetic location: 8q24.3.
Variant type: single nucleotide variant.
Coding change: c.7669C>T on transcript NM_201384.3 (MANE Select); coding-DNA position 7669, C replaced by T.
Protein change: p.Arg2557Trp; replaces arginine 2557 with tryptophan.
Molecular consequence: missense variant.
Genome position (GRCh38, 1-based): chr8:143,922,152, G>A on the plus strand (C>T on the coding strand, the complement: PLEC is on the minus strand). VCF-style: chr8-143922152-G-A. GRCh37 (hg19) VCF-style: chr8-144996320-G-A.
Other names: p.Arg2584Trp; c.7750C>T, p.Arg2584Trp (NM_000445.5); c.7627C>T, p.Arg2543Trp (NM_201378.4); c.7603C>T, p.Arg2535Trp (NM_201379.3); c.8080C>T, p.Arg2694Trp (NM_201380.4); c.7573C>T, p.Arg2525Trp (NM_201381.3); c.7669C>T, p.Arg2557Trp (NM_201382.4); c.7681C>T, p.Arg2561Trp (NM_201383.3); short protein forms R2543W, R2557W, R2561W, R2584W, R2694W, R2525W, R2535W.
Identifiers: ClinVar variation 471651 (VCV000471651.22), dbSNP rs201569045, ClinGen allele CA4925550.